The following is an entry in ClinVar:

NM_001165963.4(SCN1A):c.2322C>A (p.Ile774=)

Gene: SCN1A (sodium voltage-gated channel alpha subunit 1; minus strand). Cytogenetic location: 2q24.3.
Variant type: single nucleotide variant.
Coding change: c.2322C>A on transcript NM_001165963.4 (MANE Select); coding-DNA position 2322, C replaced by A.
Protein change: p.Ile774=; no amino-acid change (isoleucine 774 retained).
Molecular consequence: synonymous variant. On other transcripts: 5 prime UTR variant (1), non-coding transcript variant (1).
Genome position (GRCh38, 1-based): chr2:166,041,324, G>T on the plus strand (C>A on the coding strand, the complement: SCN1A is on the minus strand). VCF-style: chr2-166041324-G-T. GRCh37 (hg19) VCF-style: chr2-166897834-G-T.
Other names: c.2238C>A, p.Ile746= (NM_001165964.3, NM_001353957.2, NM_001353958.2); c.2322C>A, p.Ile774= (NM_001202435.3, NM_001353948.2); c.2289C>A, p.Ile763= (NM_001353949.2, NM_001353950.2, NM_001353951.2 and 2 more transcripts); c.2286C>A, p.Ile762= (NM_001353954.2, NM_001353955.2); c.2235C>A, p.Ile745= (NM_001353960.2); c.-137C>A (NM_001353961.2).
Identifiers: ClinVar variation 389503 (VCV000389503.11), dbSNP rs752067973, ClinGen allele CA1943134.

ClinVar aggregate classification (germline): Likely benign. Review status: criteria provided, multiple submitters, no conflicts (2 of 4 stars). 2 submissions from 2 submitters: Likely benign (2). Last evaluated 2025-06-17.

Conditions:
Early-infantile DEE. Also called: Early infantile epileptic encephalopathy with suppression bursts; Ohtahara syndrome; Early infantile epileptic encephalopathy. Identifiers: Orphanet 1934, MedGen C0393706, MONDO:0800491.

Allele frequency attached by ClinVar (database versions not stated): gnomAD exomes below 0.00001; TOPMed below 0.00001; ExAC 0.00001.
gnomAD v4.1: 1 of 1,613,952 alleles (0.000062%); highest among the groups gnomAD compares: Admixed American, 0.0017%; no homozygotes.

Submissions (2):

Labcorp Genetics (formerly Invitae), Labcorp
Classification: Likely benign for Early-infantile DEE. Last evaluated: 2025-06-17. Review status: criteria provided, single submitter. Criteria: Invitae Variant Classification Sherloc (09022015). Collection method: clinical testing. Allele origin: germline.

GeneDx
Classification: Likely benign. Last evaluated: 2017-06-07. Review status: criteria provided, single submitter. Criteria: GeneDx Variant Classification (06012015). Collection method: clinical testing. Allele origin: germline. Affected: yes.
Comment: This variant is considered likely benign or benign based on one or more of the following criteria: it is a conservative change, it occurs at a poorly conserved position in the protein, it is predicted to be benign by multiple in silico algorithms, and/or has population frequency not consistent with disease.